The following is an entry in ClinVar:

NM_017739.4(POMGNT1):c.1402A>G (p.Thr468Ala)

Genes: POMGNT1 (protein O-linked mannose N-acetylglucosaminyltransferase 1 (beta 1,2-); minus strand), TSPAN1 (tetraspanin 1; plus strand). Cytogenetic location: 1p34.1.
Variant type: single nucleotide variant.
Coding change: c.1402A>G on transcript NM_017739.4 (MANE Select); coding-DNA position 1402, A replaced by G.
Protein change: p.Thr468Ala; replaces threonine 468 with alanine.
Molecular consequence: missense variant.
Genome position (GRCh38, 1-based): chr1:46,192,319, T>C on the plus strand (A>G on the coding strand, the complement: POMGNT1 is on the minus strand). VCF-style: chr1-46192319-T-C. GRCh37 (hg19) VCF-style: chr1-46657991-T-C.
Other names: c.1402A>G, p.Thr468Ala (NM_001243766.2, NM_001410783.1); c.1336A>G, p.Thr446Ala (NM_001290129.3); c.973A>G, p.Thr325Ala (NM_001290130.2); short protein forms T325A, T446A, T468A.
Identifiers: ClinVar variation 2166958 (VCV002166958.2), dbSNP rs1453813232, ClinGen allele CA340174799.

ClinVar aggregate classification (germline): Uncertain significance (1 of 4 stars; one submission).

Conditions:
Autosomal recessive limb-girdle muscular dystrophy type 2O. Also called: Limb-Girdle Muscular Dystrophy Type 3C; MUSCULAR DYSTROPHY-DYSTROGLYCANOPATHY (LIMB-GIRDLE), TYPE C, 3; MUSCULAR DYSTROPHY-DYSTROGLYCANOPATHY, LIMB-GIRDLE, POMGNT1-RELATED. Identifiers: Orphanet 206564, MedGen C3150417, MONDO:0013161, OMIM 613157.
Muscular dystrophy-dystroglycanopathy (congenital with impaired intellectual development), type B, 3. Also called: Muscular dystrophy-dystroglycanopathy (congenital with intellectual disability), type B3; MUSCULAR DYSTROPHY, CONGENITAL, POMGNT1-RELATED. Identifiers: MedGen C3150412, MONDO:0013155, OMIM 613151.

Allele frequency attached by ClinVar (database versions not stated): gnomAD exomes below 0.00001.
gnomAD v4.1: 2 of 1,614,156 alleles (0.00012%); highest among the groups gnomAD compares: Non-Finnish European, 0.00017%; no homozygotes.

Submission:

Labcorp Genetics (formerly Invitae), Labcorp
Classification: Uncertain significance for Autosomal recessive limb-girdle muscular dystrophy type 2O; Muscular dystrophy-dystroglycanopathy (congenital with impaired intellectual development), type B, 3. Last evaluated: 2024-05-29. Review status: criteria provided, single submitter. Criteria: Invitae Variant Classification Sherloc (09022015). Collection method: clinical testing. Allele origin: germline.
Comment: This sequence change replaces threonine, which is neutral and polar, with alanine, which is neutral and non-polar, at codon 468 of the POMGNT1 protein (p.Thr468Ala). This variant is present in population databases (no rsID available, gnomAD 0.002%). This variant has not been reported in the literature in individuals affected with POMGNT1-related conditions. ClinVar contains an entry for this variant (Variation ID: 2166958). Advanced modeling of protein sequence and biophysical properties (such as structural, functional, and spatial information, amino acid conservation, physicochemical variation, residue mobility, and thermodynamic stability) performed at Invitae indicates that this missense variant is not expected to disrupt POMGNT1 protein function with a negative predictive value of 95%. In summary, the available evidence is currently insufficient to determine the role of this variant in disease. Therefore, it has been classified as a Variant of Uncertain Significance.